The following is an entry in ClinVar:

NM_016030.6(TRAPPC12):c.433G>A (p.Ala145Thr)

Gene: TRAPPC12 (trafficking protein particle complex subunit 12; plus strand). Cytogenetic location: 2p25.3.
Variant type: single nucleotide variant.
Coding change: c.433G>A on transcript NM_016030.6 (MANE Select); coding-DNA position 433, G replaced by A.
Protein change: p.Ala145Thr; replaces alanine 145 with threonine.
Molecular consequence: missense variant.
Genome position (GRCh38, 1-based): chr2:3,388,056, G>A. VCF-style: chr2-3388056-G-A. GRCh37 (hg19) VCF-style: chr2-3391827-G-A.
Other names: c.433G>A, p.Ala145Thr (NM_001321102.2); short protein forms A145T.
Identifiers: ClinVar variation 2364583 (VCV002364583.5), dbSNP rs145175293, ClinGen allele CA1515085.

ClinVar aggregate classification (germline): Conflicting classifications of pathogenicity. Review status: criteria provided, conflicting classifications (1 of 4 stars). 3 submissions from 3 submitters: Uncertain significance (2); Likely benign (1). Last evaluated 2026-01-19.

Conditions:
Inborn genetic diseases. Identifiers: MedGen C0950123, MeSH D030342.

Allele frequency attached by ClinVar (database versions not stated): 1000 Genomes Project 30x 0.00016.
gnomAD v4.1: 168 of 1,510,050 alleles (0.011%); highest among the groups gnomAD compares: Non-Finnish European, 0.014%; no homozygotes.

Submissions (3):

Labcorp Genetics (formerly Invitae), Labcorp
Classification: Uncertain significance. Last evaluated: 2026-01-19. Review status: criteria provided, single submitter. Criteria: Invitae Variant Classification Sherloc (09022015). Collection method: clinical testing. Allele origin: germline.
Comment: This sequence change replaces alanine, which is neutral and non-polar, with threonine, which is neutral and polar, at codon 145 of the TRAPPC12 protein (p.Ala145Thr). This variant is present in population databases (rs145175293, gnomAD 0.01%). This variant has not been reported in the literature in individuals affected with TRAPPC12-related conditions. ClinVar contains an entry for this variant (Variation ID: 2364583). An algorithm developed to predict the effect of missense changes on protein structure and function outputs the following: PolyPhen-2: "Benign". The threonine amino acid residue is found in multiple mammalian species, which suggests that this missense change does not adversely affect protein function. In summary, the available evidence is currently insufficient to determine the role of this variant in disease. Therefore, it has been classified as a Variant of Uncertain Significance.

Laboratory of Genetics, Children's Clinical University Hospital Latvia
Classification: Likely benign. Last evaluated: 2025-02-16. Review status: criteria provided, single submitter. Criteria: ACMG Guidelines, 2015. Collection method: clinical testing. Allele origin: germline. Affected: yes.

Ambry Genetics
Classification: Uncertain significance for Inborn genetic diseases. Last evaluated: 2025-02-08. Review status: criteria provided, single submitter. Criteria: Ambry Variant Classification Scheme 2023. Collection method: clinical testing. Allele origin: germline.